The following is an entry in ClinVar:

NM_001367624.2(ZNF469):c.4969A>C (p.Thr1657Pro)

Gene: ZNF469 (zinc finger protein 469; plus strand). Cytogenetic location: 16q24.2.
Variant type: single nucleotide variant.
Coding change: c.4969A>C on transcript NM_001367624.2 (MANE Select); coding-DNA position 4969, A replaced by C.
Protein change: p.Thr1657Pro; replaces threonine 1657 with proline.
Molecular consequence: missense variant.
Genome position (GRCh38, 1-based): chr16:88,432,439, A>C. VCF-style: chr16-88432439-A-C. GRCh37 (hg19) VCF-style: chr16-88498847-A-C.
Other names: NM_001127464.1:c.4885A>C; p.Thr1657Pro; short protein forms T1657P.
Identifiers: ClinVar variation 1363914 (VCV001363914.8), dbSNP rs996995845, ClinGen allele CA286376878.

ClinVar aggregate classification (germline): Conflicting classifications of pathogenicity. Review status: criteria provided, conflicting classifications (1 of 4 stars). 3 submissions from 3 submitters: Uncertain significance (1); Likely benign (2). Last evaluated 2025-02-24.

Conditions:
Cardiovascular phenotype. Identifiers: MedGen CN230736.

Allele frequency attached by ClinVar (database versions not stated): TOPMed 0.00005; gnomAD exomes 0.00010 and 0.00004; gnomAD 0.00001.
gnomAD v4.1: 23 of 1,549,870 alleles (0.0015%); highest among the groups gnomAD compares: Admixed American, 0.043%; no homozygotes.

Submissions (3):

Mayo Clinic Laboratories, Mayo Clinic
Classification: Likely benign. Last evaluated: 2025-02-24. Review status: criteria provided, single submitter. Criteria: ACMG Guidelines, 2015. Collection method: clinical testing. Allele origin: germline. Observed: 1 variant allele.
Comment: BS1, BP4_strong

Ambry Genetics
Classification: Likely benign for Cardiovascular phenotype. Last evaluated: 2024-08-26. Review status: criteria provided, single submitter. Criteria: Ambry Variant Classification Scheme 2023. Collection method: clinical testing. Allele origin: germline.

Labcorp Genetics (formerly Invitae), Labcorp
Classification: Uncertain significance. Last evaluated: 2022-08-10. Review status: criteria provided, single submitter. Criteria: Invitae Variant Classification Sherloc (09022015). Collection method: clinical testing. Allele origin: germline.
Comment: This sequence change replaces threonine, which is neutral and polar, with proline, which is neutral and non-polar, at codon 1629 of the ZNF469 protein (p.Thr1629Pro). This variant is present in population databases (no rsID available, gnomAD 0.06%). This variant has not been reported in the literature in individuals affected with ZNF469-related conditions. ClinVar contains an entry for this variant (Variation ID: 1363914). Algorithms developed to predict the effect of missense changes on protein structure and function (SIFT, PolyPhen-2, Align-GVGD) all suggest that this variant is likely to be tolerated. In summary, the available evidence is currently insufficient to determine the role of this variant in disease. Therefore, it has been classified as a Variant of Uncertain Significance.